The following is an entry in ClinVar:

ClinVar aggregate classification (germline): Benign/Likely benign. Review status: criteria provided, multiple submitters, no conflicts (2 of 4 stars). 4 submissions from 4 submitters: Benign (1); Likely benign (3). Last evaluated 2024-08-29.

Conditions:
Seizures, benign familial infantile, 3 (BFIS3). Also called: CONVULSIONS, BENIGN FAMILIAL INFANTILE, 3; Familial neonatal seizures. Identifiers: Orphanet 140927, Orphanet 306, MedGen C1843140, MONDO:0011904, OMIM 607745.
Developmental and epileptic encephalopathy, 11 (DEE11). Also called: Early infantile epileptic encephalopathy 11. Identifiers: Orphanet 1934, MedGen C3150987, MONDO:0013388, OMIM 613721.

Allele frequency attached by ClinVar (database versions not stated): gnomAD exomes below 0.00001 and 0.00001; gnomAD 0.00001; TOPMed 0.00002; ESP Exome Variant Server 0.00008.
gnomAD v4.1: 17 of 1,613,962 alleles (0.0011%); highest among the groups gnomAD compares: East Asian, 0.0022%; no homozygotes.

Submissions (4):

Labcorp Genetics (formerly Invitae), Labcorp
Classification: Likely benign for Seizures, benign familial infantile, 3; Developmental and epileptic encephalopathy, 11. Last evaluated: 2024-08-29. Review status: criteria provided, single submitter. Criteria: Invitae Variant Classification Sherloc (09022015). Collection method: clinical testing. Allele origin: germline.

CeGaT Center for Human Genetics Tuebingen
Classification: Likely benign. Last evaluated: 2023-05-01. Review status: criteria provided, single submitter. Criteria: CeGaT Center For Human Genetics Tuebingen Variant Classification Criteria Version 2. Collection method: clinical testing. Allele origin: germline. Affected: yes. Observed: 2 variant alleles.
Comment: SCN2A: BP4, BP7

Blueprint Genetics
Classification: Likely benign. Last evaluated: 2019-09-11. Review status: criteria provided, single submitter. Criteria: ACMG Guidelines, 2015. Collection method: clinical testing. Allele origin: germline.

GeneDx
Classification: Benign. Last evaluated: 2013-09-30. Review status: criteria provided, single submitter. Criteria: GeneDx Variant Classification (06012015). Collection method: clinical testing. Allele origin: germline. Affected: yes.
Comment: This variant is considered likely benign or benign based on one or more of the following criteria: it is a conservative change, it occurs at a poorly conserved position in the protein, it is predicted to be benign by multiple in silico algorithms, and/or has population frequency not consistent with disease.

NM_001040142.2(SCN2A):c.2859C>T (p.Val953=)

Gene: SCN2A (sodium voltage-gated channel alpha subunit 2; plus strand). Cytogenetic location: 2q24.3.
Variant type: single nucleotide variant.
Coding change: c.2859C>T on transcript NM_001040142.2 (MANE Select); coding-DNA position 2859, C replaced by T.
Protein change: p.Val953=; no amino-acid change (valine 953 retained).
Molecular consequence: synonymous variant.
Genome position (GRCh38, 1-based): chr2:165,344,851, C>T. VCF-style: chr2-165344851-C-T. GRCh37 (hg19) VCF-style: chr2-166201361-C-T.
Other names: p.V953V:GTC>GTT; c.2859C>T, p.Val953= (NM_001040143.2, NM_001371246.1, NM_001371247.1 and 1 more transcripts).
Identifiers: ClinVar variation 139008 (VCV000139008.46), dbSNP rs139967593, ClinGen allele CA293235.